The following is an entry in ClinVar:

ClinVar aggregate classification (germline): Pathogenic (1 of 4 stars; one submission).

Submission:

Labcorp Genetics (formerly Invitae), Labcorp
Classification: Pathogenic. Last evaluated: 2022-07-05. Review status: criteria provided, single submitter. Criteria: Invitae Variant Classification Sherloc (09022015). Collection method: clinical testing. Allele origin: germline.
Comment: This sequence change creates a premature translational stop signal (p.Val7Glyfs*48) in the SEC24D gene. It is expected to result in an absent or disrupted protein product. Loss-of-function variants in SEC24D are known to be pathogenic (PMID: 25683121, 30462379). This variant is not present in population databases (gnomAD no frequency). This variant has not been reported in the literature in individuals affected with SEC24D-related conditions. For these reasons, this variant has been classified as Pathogenic.

Literature cited by the submitters: PubMed 25683121; PubMed 30462379.

NM_014822.4(SEC24D):c.19dup (p.Val7fs)

Gene: SEC24D (SEC24 homolog D, COPII coat complex component; minus strand). Cytogenetic location: 4q26.
Variant type: Duplication.
Coding change: c.19dup on transcript NM_014822.4 (MANE Select); coding-DNA position 19, one base duplicated (G; older notation c.19dupG).
Protein change: p.Val7fs; shifts the reading frame from valine 7.
Molecular consequence: frameshift variant.
Genome position (GRCh38, 1-based): chr4:118,833,678, C duplicated on the plus strand (G on the coding strand, the reverse complement: SEC24D is on the minus strand). VCF-style (leftmost placement, unchanged base first): chr4-118833677-A-AC. GRCh37 (hg19) VCF-style: chr4-119754832-A-AC.
Other names: c.19dup, p.Val7fs (NM_001318066.2); short protein forms V7fs.
Identifiers: ClinVar variation 2161361 (VCV002161361.1), dbSNP rs2530286004, ClinGen allele CA2580071423.